The following is an entry in ClinVar:

NC_000016.9:g.(?_8891695)_(8943183_?)dup

Gene: PMM2 (phosphomannomutase 2; plus strand). Cytogenetic location: 16p13.2.
Variant type: Duplication.
Identifiers: ClinVar variation 3339403 (VCV003339403.1).

ClinVar aggregate classification (germline): Uncertain significance (1 of 4 stars; one submission).

Submission:

Women's Health and Genetics/Laboratory Corporation of America, LabCorp
Classification: Uncertain significance. Last evaluated: 2024-07-22. Review status: criteria provided, single submitter. Criteria: LabCorp Variant Classification Summary - May 2015. Collection method: clinical testing. Allele origin: germline.
Comment: Variant summary: The variant involves the duplication of exons 1-8 in the PMM2 gene. A presumed nomenclature of c.(?_-45)_(*1501_?)dup has been designated for the purposes of this classification. This duplication includes the entire coding sequence of the gene. As exact breakpoints are unknown, it may extend beyond the annotated region of the gene, to include other flanking genes. The variant was absent in 21692 control chromosomes. The available data on variant occurrences in the general population are insufficient to allow any conclusion about variant significance. To our knowledge, no occurrence of c.(?_-45)_(*1501_?)dup in individuals affected with Congenital Disorder Of Glycosylation Type 1a and no experimental evidence demonstrating its impact on protein function have been reported. ClinVar contains an entry for this variant (Variation ID: 832130). Based on the evidence outlined above, the variant was classified as uncertain significance.